The following is an entry in ClinVar:

NM_001378414.1(HDAC4):c.2504G>A (p.Ser835Asn)

Gene: HDAC4 (histone deacetylase 4; minus strand). Cytogenetic location: 2q37.3.
Variant type: single nucleotide variant.
Coding change: c.2504G>A on transcript NM_001378414.1 (MANE Select); coding-DNA position 2504, G replaced by A.
Protein change: p.Ser835Asn; replaces serine 835 with asparagine.
Molecular consequence: missense variant.
Genome position (GRCh38, 1-based): chr2:239,084,183, C>T on the plus strand (G>A on the coding strand, the complement: HDAC4 is on the minus strand). VCF-style: chr2-239084183-C-T. GRCh37 (hg19) VCF-style: chr2-240005879-C-T.
Other names: c.2489G>A (NM_006037.3); c.2504G>A, p.Ser835Asn (NM_001378415.1); c.2489G>A, p.Ser830Asn (NM_001378416.1, NM_001378417.1, NM_006037.4); short protein forms S835N, S830N.
Identifiers: ClinVar variation 3674651 (VCV003674651.3).

ClinVar aggregate classification (germline): Uncertain significance. Review status: criteria provided, multiple submitters, no conflicts (2 of 4 stars). 2 submissions from 2 submitters: Uncertain significance (2). Last evaluated 2026-03-05.

Conditions:
HDAC4-related disorder. Also called: HDAC4-related condition.

Submissions (2):

PreventionGenetics, part of Exact Sciences
Classification: Uncertain significance for HDAC4-related condition. Last evaluated: 2026-03-05. Review status: criteria provided, single submitter. Criteria: ACMG Guidelines, 2015. Collection method: clinical testing. Allele origin: germline.
Comment: The HDAC4 c.2489G>A variant is predicted to result in the amino acid substitution p.Ser830Asn. To our knowledge, this variant has not been reported in the literature or in a large population database (gnomAD), indicating this variant is rare. At this time, the clinical significance of this variant is uncertain due to the absence of conclusive functional and genetic evidence.

Labcorp Genetics (formerly Invitae), Labcorp
Classification: Uncertain significance. Last evaluated: 2026-01-05. Review status: criteria provided, single submitter. Criteria: Invitae Variant Classification Sherloc (09022015). Collection method: clinical testing. Allele origin: germline.
Comment: This sequence change replaces serine, which is neutral and polar, with asparagine, which is neutral and polar, at codon 830 of the HDAC4 protein (p.Ser830Asn). This variant is not present in population databases (gnomAD no frequency). This variant has not been reported in the literature in individuals affected with HDAC4-related conditions. ClinVar contains an entry for this variant (Variation ID: 3674651). Invitae Evidence Modeling of protein sequence and biophysical properties (such as structural, functional, and spatial information, amino acid conservation, physicochemical variation, residue mobility, and thermodynamic stability) indicates that this missense variant is not expected to disrupt HDAC4 protein function with a negative predictive value of 80%. In summary, the available evidence is currently insufficient to determine the role of this variant in disease. Therefore, it has been classified as a Variant of Uncertain Significance.